The following is an entry in ClinVar:

ClinVar aggregate classification (germline): Uncertain significance. Review status: criteria provided, multiple submitters, no conflicts (2 of 4 stars). 2 submissions from 2 submitters: Uncertain significance (2). Last evaluated 2022-11-22.

Conditions:
Nemaline myopathy 2 (NEM2). Also called: Nemaline myopathy 2, autosomal recessive. Identifiers: MedGen C1850569, MONDO:0009725, OMIM 256030.

Allele frequency attached by ClinVar (database versions not stated): gnomAD exomes below 0.00001.
gnomAD v4.1: 1 of 1,610,536 alleles (0.000062%); highest among the groups gnomAD compares: Middle Eastern, 0.017%; no homozygotes.

Submissions (2):

Labcorp Genetics (formerly Invitae), Labcorp
Classification: Uncertain significance for Nemaline myopathy 2. Last evaluated: 2022-11-22. Review status: criteria provided, single submitter. Criteria: Invitae Variant Classification Sherloc (09022015). Collection method: clinical testing. Allele origin: germline.
Comment: In summary, the available evidence is currently insufficient to determine the role of this variant in disease. Therefore, it has been classified as a Variant of Uncertain Significance. Algorithms developed to predict the effect of missense changes on protein structure and function are either unavailable or do not agree on the potential impact of this missense change (SIFT: "Deleterious"; PolyPhen-2: "Not Available"; Align-GVGD: "Class C0"). ClinVar contains an entry for this variant (Variation ID: 1421450). This variant has not been reported in the literature in individuals affected with NEB-related conditions. This variant is not present in population databases (gnomAD no frequency). This sequence change replaces alanine, which is neutral and non-polar, with valine, which is neutral and non-polar, at codon 7764 of the NEB protein (p.Ala7764Val).

Revvity Omics, Revvity
Classification: Uncertain significance. Last evaluated: 2021-10-28. Review status: criteria provided, single submitter. Criteria: ACMG Guidelines, 2015. Collection method: clinical testing. Allele origin: germline.

NM_001164508.2(NEB):c.23186C>T (p.Ala7729Val)

Genes: NEB (nebulin; minus strand), RIF1 (replication timing regulatory factor 1; plus strand). Cytogenetic location: 2q23.3.
Variant type: single nucleotide variant.
Coding change: c.23186C>T on transcript NM_001164508.2 (MANE Select); coding-DNA position 23186, C replaced by T.
Protein change: p.Ala7729Val; replaces alanine 7729 with valine.
Molecular consequence: missense variant.
Genome position (GRCh38, 1-based): chr2:151,513,635, G>A on the plus strand (C>T on the coding strand, the complement: NEB is on the minus strand). VCF-style: chr2-151513635-G-A. GRCh37 (hg19) VCF-style: chr2-152370149-G-A.
Other names: c.23186C>T, p.Ala7729Val (NM_001164507.2); c.23291C>T, p.Ala7764Val (NM_001271208.2); c.18083C>T, p.Ala6028Val (NM_004543.5); short protein forms A7764V, A6028V, A7729V.
Identifiers: ClinVar variation 1421450 (VCV001421450.8), dbSNP rs1284612506, ClinGen allele CA348751372.
Genomic context (GRCh38, chr2:151,513,635, plus strand): 5'-CTGACCTGACTGGCAATATCAGTAGCATTCCTGGCCCTCATAAAATCCGGAGTTTCATTG[G>A]CCATGGCATTCAGGCCTCTTCCTTTGACTTCCAGTTCCAGGTCTCGCTTATATTCTTTCT-3'
Protein context (NP_001157980.2, residues 7719-7739): EVKGRGLNAM[Ala7729Val]NETPDFMRAR